The following is an entry in ClinVar:

NM_002796.3(PSMB4):c.422T>C (p.Met141Thr)

Gene: PSMB4 (proteasome 20S subunit beta 4; plus strand). Cytogenetic location: 1q21.3.
Variant type: single nucleotide variant.
Coding change: c.422T>C on transcript NM_002796.3 (MANE Select); coding-DNA position 422, T replaced by C.
Protein change: p.Met141Thr; replaces methionine 141 with threonine.
Molecular consequence: missense variant.
Genome position (GRCh38, 1-based): chr1:151,400,516, T>C. VCF-style: chr1-151400516-T-C. GRCh37 (hg19) VCF-style: chr1-151372992-T-C.
Other names: short protein forms M141T.
Identifiers: ClinVar variation 3618041 (VCV003618041.3).
Genomic context (GRCh38, chr1:151,400,516, plus strand): 5'-TTCTGGGAGATGGACACAGCTATAGTCCTAGAGCTATTCATTCATGGCTGACCAGGGCCA[T>C]GTACAGCCGGCGCTCGAAGATGAACCCTTTGTGGAACACCATGGTCATCGGAGGCTATGC-3'
Protein context (NP_002787.2, residues 131-151): RAIHSWLTRA[Met141Thr]YSRRSKMNPL

ClinVar aggregate classification (germline): Uncertain significance. Review status: criteria provided, multiple submitters, no conflicts (2 of 4 stars). 2 submissions from 2 submitters: Uncertain significance (2). Last evaluated 2024-09-06.

Submissions (2):

Labcorp Genetics (formerly Invitae), Labcorp
Classification: Uncertain significance. Last evaluated: 2024-09-06. Review status: criteria provided, single submitter. Criteria: Invitae Variant Classification Sherloc (09022015). Collection method: clinical testing. Allele origin: germline.
Comment: This sequence change replaces methionine, which is neutral and non-polar, with threonine, which is neutral and polar, at codon 141 of the PSMB4 protein (p.Met141Thr). This variant is present in population databases (no rsID available, gnomAD 0.0009%). This variant has not been reported in the literature in individuals affected with PSMB4-related conditions. An algorithm developed to predict the effect of missense changes on protein structure and function outputs the following: PolyPhen-2: "Benign". The threonine amino acid residue is found in multiple mammalian species, which suggests that this missense change does not adversely affect protein function. In summary, the available evidence is currently insufficient to determine the role of this variant in disease. Therefore, it has been classified as a Variant of Uncertain Significance.

Blueprint Genetics
Classification: Uncertain significance. Last evaluated: 2023-05-23. Review status: criteria provided, single submitter. Criteria: ACMG Guidelines, 2015. Collection method: clinical testing. Allele origin: germline.